The following is an entry in ClinVar:

ClinVar aggregate classification (germline): Uncertain significance (1 of 4 stars; one submission).

Conditions:
KBG syndrome (KBGS). Also called: ANKRD11-Related KBG Syndrome. Identifiers: Orphanet 2332, MedGen C0220687, MONDO:0007846, OMIM 148050.

Allele frequency attached by ClinVar (database versions not stated): gnomAD exomes below 0.00001; gnomAD 0.00001.
gnomAD v4.1: 4 of 1,614,040 alleles (0.00025%); highest among the groups gnomAD compares: Non-Finnish European, 0.00034%; no homozygotes.

Submission:

Labcorp Genetics (formerly Invitae), Labcorp
Classification: Uncertain significance for KBG syndrome. Last evaluated: 2024-01-08. Review status: criteria provided, single submitter. Criteria: Invitae Variant Classification Sherloc (09022015). Collection method: clinical testing. Allele origin: germline.
Comment: This sequence change replaces alanine, which is neutral and non-polar, with threonine, which is neutral and polar, at codon 894 of the ANKRD11 protein (p.Ala894Thr). This variant is not present in population databases (gnomAD no frequency). This variant has not been reported in the literature in individuals affected with ANKRD11-related conditions. Advanced modeling of protein sequence and biophysical properties (such as structural, functional, and spatial information, amino acid conservation, physicochemical variation, residue mobility, and thermodynamic stability) performed at Invitae indicates that this missense variant is not expected to disrupt ANKRD11 protein function with a negative predictive value of 95%. In summary, the available evidence is currently insufficient to determine the role of this variant in disease. Therefore, it has been classified as a Variant of Uncertain Significance.

NM_013275.6(ANKRD11):c.2680G>A (p.Ala894Thr)

Gene: ANKRD11 (ankyrin repeat domain 11; minus strand). Cytogenetic location: 16q24.3.
Variant type: single nucleotide variant.
Coding change: c.2680G>A on transcript NM_013275.6 (MANE Select); coding-DNA position 2680, G replaced by A.
Protein change: p.Ala894Thr; replaces alanine 894 with threonine.
Molecular consequence: missense variant.
Genome position (GRCh38, 1-based): chr16:89,283,862, C>T on the plus strand (G>A on the coding strand, the complement: ANKRD11 is on the minus strand). VCF-style: chr16-89283862-C-T. GRCh37 (hg19) VCF-style: chr16-89350270-C-T.
Other names: c.2680G>A, p.Ala894Thr (NM_001256182.2, NM_001256183.2); short protein forms A894T.
Identifiers: ClinVar variation 2872811 (VCV002872811.3), dbSNP rs1482994254, ClinGen allele CA397161720.